The following is an entry in ClinVar:

NM_001162501.2(TNRC6B):c.2351dup (p.Gly784_Asn785insTer)

Gene: TNRC6B (trinucleotide repeat containing adaptor 6B; plus strand). Cytogenetic location: 22q13.1.
Variant type: Duplication.
Coding change: c.2351dup on transcript NM_001162501.2 (MANE Select); coding-DNA position 2351, one base duplicated (G; older notation c.2351dupG).
Protein change: p.Gly784_Asn785insTer.
Molecular consequence: frameshift variant. On other transcripts: intron variant (1).
Genome position (GRCh38, 1-based): chr22:40,266,581, G duplicated; the last of 4 consecutive G bases (chr22:40,266,578-40,266,581); duplicating any one gives the same sequence. VCF-style (leftmost placement, unchanged base first): chr22-40266577-T-TG. GRCh37 (hg19) VCF-style: chr22-40662581-T-TG.
Other names: c.2351dup, p.Gly784_Asn785insTer (NM_015088.3); c.566-3541dup (NM_001024843.2).
Identifiers: ClinVar variation 3900253 (VCV003900253.1).

ClinVar aggregate classification (germline): Pathogenic (1 of 4 stars; one submission).

Submission:

GeneDx
Classification: Pathogenic. Last evaluated: 2024-11-20. Review status: criteria provided, single submitter. Criteria: GeneDx Variant Classification Process June 2021. Collection method: clinical testing. Allele origin: germline. Affected: yes.
Comment: Nonsense variant predicted to result in protein truncation or nonsense mediated decay in a gene for which loss of function is a known mechanism of disease; Not observed at significant frequency in large population cohorts (gnomAD); This variant is associated with the following publications: (PMID: 33994118)